The following is an entry in ClinVar:

ClinVar aggregate classification (germline): Uncertain significance. Review status: criteria provided, multiple submitters, no conflicts (2 of 4 stars). 2 submissions from 2 submitters: Uncertain significance (2). Last evaluated 2026-01-23.

Allele frequency attached by ClinVar (database versions not stated): gnomAD exomes 0.00003; ExAC 0.00009; gnomAD 0.00022; 1000 Genomes Project 30x 0.00031; ESP Exome Variant Server 0.00031; TOPMed 0.00035; 1000 Genomes Project 0.00040.
gnomAD v4.1: 87 of 1,614,072 alleles (0.0054%); highest among the groups gnomAD compares: African/African-American, 0.1%; no homozygotes.

Submissions (2):

GeneDx
Classification: Uncertain significance. Last evaluated: 2026-01-23. Review status: criteria provided, single submitter. Criteria: GeneDx Variant Classification Process June 2021. Collection method: clinical testing. Allele origin: germline.
Comment: In silico analysis suggests that this missense variant does not alter protein structure/function; Has not been previously published as pathogenic or benign to our knowledge

Ambry Genetics
Classification: Uncertain significance. Last evaluated: 2021-06-11. Review status: criteria provided, single submitter. Criteria: Ambry Variant Classification Scheme 2023. Collection method: clinical testing. Allele origin: germline.

NM_001353694.2(TIAM1):c.2657A>G (p.Lys886Arg)

Gene: TIAM1 (TIAM Rac1 associated GEF 1; minus strand). Cytogenetic location: 21q22.11.
Variant type: single nucleotide variant.
Coding change: c.2657A>G on transcript NM_001353694.2 (MANE Select); coding-DNA position 2657, A replaced by G.
Protein change: p.Lys886Arg; replaces lysine 886 with arginine.
Molecular consequence: missense variant.
Genome position (GRCh38, 1-based): chr21:31,187,006, T>C on the plus strand (A>G on the coding strand, the complement: TIAM1 is on the minus strand). VCF-style: chr21-31187006-T-C. GRCh37 (hg19) VCF-style: chr21-32559322-T-C.
Other names: c.2657A>G, p.Lys886Arg (NM_001353686.2, NM_001353688.1, NM_001353689.1 and 5 more transcripts); c.2582A>G, p.Lys861Arg (NM_001353687.2); short protein forms K886R, K861R.
Identifiers: ClinVar variation 2223755 (VCV002223755.4), dbSNP rs140991416, ClinGen allele CA9998105.